The following is an entry in ClinVar:

NM_021120.4(DLG3):c.1946C>T (p.Pro649Leu)

Gene: DLG3 (discs large MAGUK scaffold protein 3; plus strand). Cytogenetic location: Xq13.1.
Variant type: single nucleotide variant.
Coding change: c.1946C>T on transcript NM_021120.4 (MANE Select); coding-DNA position 1946, C replaced by T.
Protein change: p.Pro649Leu; replaces proline 649 with leucine.
Molecular consequence: missense variant.
Genome position (GRCh38, 1-based): chrX:70,499,251, C>T. VCF-style: chrX-70499251-C-T. GRCh37 (hg19) VCF-style: chrX-69719101-C-T.
Other names: c.593C>T, p.Pro198Leu (NM_001166278.2); c.1031C>T, p.Pro344Leu (NM_020730.3); c.1946C>T (NM_021120.3); short protein forms P198L, P344L, P649L.
Identifiers: ClinVar variation 1806531 (VCV001806531.2), dbSNP rs2519884846, ClinGen allele CA413460582.

ClinVar aggregate classification (germline): Uncertain significance. Review status: criteria provided, multiple submitters, no conflicts (2 of 4 stars). 2 submissions from 2 submitters: Uncertain significance (2). Last evaluated 2025-04-25.

Conditions:
Inborn genetic diseases. Identifiers: MedGen C0950123, MeSH D030342.

Allele frequency attached by ClinVar (database versions not stated): gnomAD exomes 0.00001.
gnomAD v4.1: 6 of 1,209,555 alleles (0.0005%); highest among the groups gnomAD compares: Non-Finnish European, 0.00067%; no homozygotes.

Submissions (2):

Ambry Genetics
Classification: Uncertain significance for Inborn genetic diseases. Last evaluated: 2025-04-25. Review status: criteria provided, single submitter. Criteria: Ambry Variant Classification Scheme 2023. Collection method: clinical testing. Allele origin: germline.

GeneDx
Classification: Uncertain significance. Last evaluated: 2022-06-23. Review status: criteria provided, single submitter. Criteria: GeneDx Variant Classification Process June 2021. Collection method: clinical testing. Allele origin: germline. Affected: yes.
Comment: Not observed at significant frequency in large population cohorts (gnomAD); In silico analysis supports that this missense variant has a deleterious effect on protein structure/function; Has not been previously published as pathogenic or benign to our knowledge